The following is an entry in ClinVar:

NM_000478.6(ALPL):c.335G>C (p.Gly112Ala)

Gene: ALPL (alkaline phosphatase, biomineralization associated; plus strand). Cytogenetic location: 1p36.12.
Variant type: single nucleotide variant.
Coding change: c.335G>C on transcript NM_000478.6 (MANE Select); coding-DNA position 335, G replaced by C.
Protein change: p.Gly112Ala; replaces glycine 112 with alanine.
Molecular consequence: missense variant.
Genome position (GRCh38, 1-based): chr1:21,563,147, G>C. VCF-style: chr1-21563147-G-C. GRCh37 (hg19) VCF-style: chr1-21889640-G-C.
Other names: c.170G>C, p.Gly57Ala (NM_001127501.4); c.104G>C, p.Gly35Ala (NM_001177520.3); c.335G>C, p.Gly112Ala (NM_001369803.2, NM_001369804.2, NM_001369805.2); short protein forms G112A, G35A, G57A.
Identifiers: ClinVar variation 1064140 (VCV001064140.10), dbSNP rs2148158307, ClinGen allele CA338877127.

ClinVar aggregate classification (germline): Pathogenic/Likely pathogenic. Review status: criteria provided, multiple submitters, no conflicts (2 of 4 stars). 2 submissions from 2 submitters: Pathogenic (1); Likely pathogenic (1). Last evaluated 2026-09-01.

Conditions:
Hypophosphatasia. Also called: Phosphoethanol-aminuria. Identifiers: Orphanet 436, MedGen C0020630, MeSH D007014, MONDO:0018570.

Submissions (2):

Genomenon, Inc
Classification: Likely pathogenic for Hypophosphatasia. Last evaluated: 2026-09-01. Review status: criteria provided, single submitter. Criteria: Genomenon Sequence Variant Interpretation Standards - Updated. Collection method: curation. Allele origin: germline. Affected: yes.
Comment: ALPL p.Gly112Ala (c.335G>C) is a missense variant that changes the amino acid at codon 112 from Glycine to Alanine. This variant has been observed in at least one proband affected with an ALPL-related disorder (PMID:34633109). The presence of pathogenic/likely pathogenic missense variant(s) at the same amino acid position indicates that this residue is likely important for protein function. It is absent or not present at a significant frequency in gnomAD. In silico models predict that this variant is possibly or probably damaging. In conclusion, we classify ALPL p.Gly112Ala (c.335G>C) as a likely pathogenic variant.

Labcorp Genetics (formerly Invitae), Labcorp
Classification: Pathogenic. Last evaluated: 2022-06-13. Review status: criteria provided, single submitter. Criteria: Invitae Variant Classification Sherloc (09022015). Collection method: clinical testing. Allele origin: germline.
Comment: For these reasons, this variant has been classified as Pathogenic. This variant disrupts the p.Gly112 amino acid residue in ALPL. Other variant(s) that disrupt this residue have been determined to be pathogenic (PMID: 15300736, 27312557, 28127875, 32160374). This suggests that this residue is clinically significant, and that variants that disrupt this residue are likely to be disease-causing. Advanced modeling of protein sequence and biophysical properties (such as structural, functional, and spatial information, amino acid conservation, physicochemical variation, residue mobility, and thermodynamic stability) performed at Invitae indicates that this missense variant is expected to disrupt ALPL protein function. ClinVar contains an entry for this variant (Variation ID: 1064140). This missense change has been observed in individual(s) with hypophosphatemia (Invitae). This variant is not present in population databases (gnomAD no frequency). This sequence change replaces glycine, which is neutral and non-polar, with alanine, which is neutral and non-polar, at codon 112 of the ALPL protein (p.Gly112Ala).

Literature cited by the submitters: PubMed 34633109 (cited by Genomenon, Inc); PubMed 15300736 (cited by Labcorp Genetics (formerly Invitae), Labcorp); PubMed 27312557 (cited by Labcorp Genetics (formerly Invitae), Labcorp); PubMed 28127875 (cited by Labcorp Genetics (formerly Invitae), Labcorp); PubMed 32160374 (cited by Labcorp Genetics (formerly Invitae), Labcorp).